The following is an entry in ClinVar:

NM_006745.5(MSMO1):c.443T>C (p.Ile148Thr)

Gene: MSMO1 (methylsterol monooxygenase 1; plus strand). Cytogenetic location: 4q32.3.
Variant type: single nucleotide variant.
Coding change: c.443T>C on transcript NM_006745.5 (MANE Select); coding-DNA position 443, T replaced by C.
Protein change: p.Ile148Thr; replaces isoleucine 148 with threonine.
Molecular consequence: missense variant.
Genome position (GRCh38, 1-based): chr4:165,338,690, T>C. VCF-style: chr4-165338690-T-C. GRCh37 (hg19) VCF-style: chr4-166259842-T-C.
Other names: c.50T>C, p.Ile17Thr (NM_001017369.3); short protein forms I148T, I17T.
Identifiers: ClinVar variation 1395290 (VCV001395290.6), dbSNP rs2126626501, ClinGen allele CA358685862.
Genomic context (GRCh38, chr4:165,338,690, plus strand): 5'-TTACAACATTTTTATCTTAAAGGTATTTTCTTTTGGCAAGATGCTTTGGTTGTGCAGTCA[T>C]TGAAGATACTTGGCACTATTTTCTGCATAGACTCTTACACCACAAAAGAATATACAAGTA-3'
Protein context (NP_006736.1, residues 138-158): LLARCFGCAV[Ile148Thr]EDTWHYFLHR

ClinVar aggregate classification (germline): Uncertain significance (1 of 4 stars; one submission).

Submission:

Labcorp Genetics (formerly Invitae), Labcorp
Classification: Uncertain significance. Last evaluated: 2021-11-27. Review status: criteria provided, single submitter. Criteria: Invitae Variant Classification Sherloc (09022015). Collection method: clinical testing. Allele origin: germline.
Comment: This sequence change replaces isoleucine, which is neutral and non-polar, with threonine, which is neutral and polar, at codon 148 of the MSMO1 protein (p.Ile148Thr). This variant is not present in population databases (gnomAD no frequency). In summary, the available evidence is currently insufficient to determine the role of this variant in disease. Therefore, it has been classified as a Variant of Uncertain Significance. Algorithms developed to predict the effect of missense changes on protein structure and function (SIFT, PolyPhen-2, Align-GVGD) all suggest that this variant is likely to be disruptive. This variant has not been reported in the literature in individuals affected with MSMO1-related conditions.